The following is an entry in ClinVar:

NM_016335.6(PRODH):c.1623C>G (p.Ala541=)

Gene: PRODH (proline dehydrogenase 1; minus strand). Cytogenetic location: 22q11.21.
Variant type: single nucleotide variant.
Coding change: c.1623C>G on transcript NM_016335.6 (MANE Select); coding-DNA position 1623, C replaced by G.
Protein change: p.Ala541=; no amino-acid change (alanine 541 retained).
Molecular consequence: synonymous variant.
Genome position (GRCh38, 1-based): chr22:18,913,355, G>C on the plus strand (C>G on the coding strand, the complement: PRODH is on the minus strand). VCF-style: chr22-18913355-G-C. GRCh37 (hg19) VCF-style: chr22-18900868-G-C.
Other names: c.1299C>G, p.Ala433= (NM_001195226.2).
Identifiers: ClinVar variation 459913 (VCV000459913.26), dbSNP rs16983347, ClinGen allele CA10094859.

ClinVar aggregate classification (germline): Benign/Likely benign. Review status: criteria provided, multiple submitters, no conflicts (2 of 4 stars). 4 submissions from 4 submitters: Benign (3); Likely benign (1). Last evaluated 2026-01-14.

Conditions:
Schizophrenia 4 (SCZD4). Also called: SCHIZOPHRENIA SUSCEPTIBILITY LOCUS, CHROMOSOME 22q11-RELATED; SCHIZOPHRENIA, SUSCEPTIBILITY TO, 4. Identifiers: MedGen C1833247, MONDO:0010943, OMIM 600850.
Proline dehydrogenase deficiency (HYRPRO1). Also called: Hyperprolinemia type 1; PROLINE OXIDASE DEFICIENCY. Identifiers: Orphanet 419, MedGen C0268529, MONDO:0009400, OMIM 239500.

Allele frequency attached by ClinVar (database versions not stated): 1000 Genomes Project 0.01398.

Submissions (4):

Labcorp Genetics (formerly Invitae), Labcorp
Classification: Benign for Proline dehydrogenase deficiency. Last evaluated: 2026-01-14. Review status: criteria provided, single submitter. Criteria: Invitae Variant Classification Sherloc (09022015). Collection method: clinical testing. Allele origin: germline.

CeGaT Center for Human Genetics Tuebingen
Classification: Likely benign. Last evaluated: 2024-12-01. Review status: criteria provided, single submitter. Criteria: CeGaT Center For Human Genetics Tuebingen Variant Classification Criteria Version 2. Collection method: clinical testing. Allele origin: germline. Affected: yes. Observed: 1 variant allele.
Comment: PRODH: PM2:Supporting, BP4, BP7

Fulgent Genetics
Classification: Benign for Proline dehydrogenase deficiency; Schizophrenia 4. Last evaluated: 2021-07-26. Review status: criteria provided, single submitter. Criteria: ACMG Guidelines, 2015. Collection method: clinical testing. Allele origin: unknown.

Breakthrough Genomics
Classification: Benign. Review status: criteria provided, single submitter. Criteria: ACMG Guidelines, 2015. Collection method: not provided. Allele origin: germline. Inheritance: Autosomal dominant inheritance. Affected: yes.